The following is an entry in ClinVar:

ClinVar aggregate classification (germline): Uncertain significance (1 of 4 stars; one submission).

gnomAD v4.1: 2 of 1,613,856 alleles (0.00012%); highest among the groups gnomAD compares: Non-Finnish European, 0.00017%; no homozygotes.

Submission:

GeneDx
Classification: Uncertain significance. Last evaluated: 2025-05-12. Review status: criteria provided, single submitter. Criteria: GeneDx Variant Classification Process June 2021. Collection method: clinical testing. Allele origin: germline. Affected: yes.
Comment: Not observed at significant frequency in large population cohorts (gnomAD); In silico analysis suggests that this missense variant does not alter protein structure/function; Has not been previously published as pathogenic or benign to our knowledge

NM_000191.3(HMGCL):c.733A>C (p.Thr245Pro)

Gene: HMGCL (3-hydroxy-3-methylglutaryl-CoA lyase; minus strand). Cytogenetic location: 1p36.11.
Variant type: single nucleotide variant.
Coding change: c.733A>C on transcript NM_000191.3 (MANE Select); coding-DNA position 733, A replaced by C.
Protein change: p.Thr245Pro; replaces threonine 245 with proline.
Molecular consequence: missense variant.
Genome position (GRCh38, 1-based): chr1:23,808,152, T>G on the plus strand (A>C on the coding strand, the complement: HMGCL is on the minus strand). VCF-style: chr1-23808152-T-G. GRCh37 (hg19) VCF-style: chr1-24134642-T-G.
Other names: c.520A>C, p.Thr174Pro (NM_001166059.2); short protein forms T174P, T245P.
Identifiers: ClinVar variation 4529891 (VCV004529891.1).